The following is an entry in ClinVar:

NM_001972.4(ELANE):c.322G>T (p.Gly108Cys)

Gene: ELANE (elastase, neutrophil expressed; plus strand). Cytogenetic location: 19p13.3.
Variant type: single nucleotide variant.
Coding change: c.322G>T on transcript NM_001972.4 (MANE Select); coding-DNA position 322, G replaced by T.
Protein change: p.Gly108Cys; replaces glycine 108 with cysteine.
Molecular consequence: missense variant.
Genome position (GRCh38, 1-based): chr19:853,359, G>T. VCF-style: chr19-853359-G-T. GRCh37 (hg19) VCF-style: chr19-853359-G-T.
Other names: short protein forms G108C.
Identifiers: ClinVar variation 2924671 (VCV002924671.4), dbSNP rs1221333968, ClinGen allele CA402916223.

ClinVar aggregate classification (germline): Uncertain significance. Review status: criteria provided, multiple submitters, no conflicts (2 of 4 stars). 2 submissions from 2 submitters: Uncertain significance (2). Last evaluated 2026-08-16.

Conditions:
Inborn genetic diseases. Identifiers: MedGen C0950123, MeSH D030342.
Neutropenia, severe congenital, 1, autosomal dominant. Identifiers: MedGen C1859966, MONDO:0042490, OMIM 202700.
Cyclical neutropenia. Also called: Cyclic Neutropenia; Cyclic hematopoiesis. Identifiers: Orphanet 2686, MedGen C0221023, MONDO:0008090, OMIM 162800, HP:0040289. Disease mechanism: loss of function.

Submissions (2):

Ambry Genetics
Classification: Uncertain significance for Inborn genetic diseases. Last evaluated: 2026-08-16. Review status: criteria provided, single submitter. Criteria: Ambry Variant Classification Scheme 2023. Collection method: clinical testing. Allele origin: germline.
Comment: The p.G108C variant (also known as c.322G>T), located in coding exon 3 of the ELANE gene, results from a G to T substitution at nucleotide position 322. The glycine at codon 108 is replaced by cysteine, an amino acid with highly dissimilar properties. This amino acid position is conserved. In addition, this alteration is predicted to be deleterious by in silico analysis. Based on the available evidence, the clinical significance of this variant remains unclear.

Labcorp Genetics (formerly Invitae), Labcorp
Classification: Uncertain significance for Neutropenia, severe congenital, 1, autosomal dominant; Cyclical neutropenia. Last evaluated: 2025-06-05. Review status: criteria provided, single submitter. Criteria: Invitae Variant Classification Sherloc (09022015). Collection method: clinical testing. Allele origin: germline.
Comment: This sequence change replaces glycine, which is neutral and non-polar, with cysteine, which is neutral and slightly polar, at codon 108 of the ELANE protein (p.Gly108Cys). This variant is not present in population databases (gnomAD no frequency). This variant has not been reported in the literature in individuals affected with ELANE-related conditions. ClinVar contains an entry for this variant (Variation ID: 2924671). Invitae Evidence Modeling of protein sequence and biophysical properties (such as structural, functional, and spatial information, amino acid conservation, physicochemical variation, residue mobility, and thermodynamic stability) indicates that this missense variant is expected to disrupt ELANE protein function with a positive predictive value of 95%. In summary, the available evidence is currently insufficient to determine the role of this variant in disease. Therefore, it has been classified as a Variant of Uncertain Significance.